The following is an entry in ClinVar:

NM_002382.5(MAX):c.254T>C (p.Ile85Thr)

Gene: MAX (MYC associated transcriptional regulator X; minus strand). Cytogenetic location: 14q23.3.
Variant type: single nucleotide variant.
Coding change: c.254T>C on transcript NM_002382.5 (MANE Select); coding-DNA position 254, T replaced by C.
Protein change: p.Ile85Thr; replaces isoleucine 85 with threonine.
Molecular consequence: missense variant. On other transcripts: 5 prime UTR variant (6), non-coding transcript variant (7), intron variant (2).
Genome position (GRCh38, 1-based): chr14:65,077,954, A>G on the plus strand (T>C on the coding strand, the complement: MAX is on the minus strand). VCF-style: chr14-65077954-A-G. GRCh37 (hg19) VCF-style: chr14-65544672-A-G.
Other names: c.-21T>C (NM_001320415.2, NM_001407105.1, NM_001407106.1 and 1 more transcripts); c.254T>C, p.Ile85Thr (NM_001407094.1, NM_001407096.1, NM_001407097.1 and 3 more transcripts); c.227T>C, p.Ile76Thr (NM_001407095.1, NM_001407099.1, NM_001407100.1 and 6 more transcripts); c.146T>C, p.Ile49Thr (NM_001407098.1); c.-114T>C (NM_001407111.1, NM_001407112.1); c.144+15754T>C (NM_001271069.2); c.171+15754T>C (NM_197957.4); short protein forms I49T, I76T, I85T.
Identifiers: ClinVar variation 2568122 (VCV002568122.2), dbSNP rs2504196226, ClinGen allele CA390035544.

ClinVar aggregate classification (germline): Uncertain significance (1 of 4 stars; one submission).

Conditions:
Hereditary cancer-predisposing syndrome. Also called: Hereditary neoplastic syndrome; Hereditary Cancer Syndrome; Neoplastic Syndromes, Hereditary; Tumor predisposition. Identifiers: Orphanet 140162, MedGen C0027672, MeSH D009386, MONDO:0015356.

Allele frequency attached by ClinVar (database versions not stated): gnomAD exomes below 0.00001.

Submission:

Ambry Genetics
Classification: Uncertain significance for Hereditary cancer-predisposing syndrome. Last evaluated: 2023-05-26. Review status: criteria provided, single submitter. Criteria: Ambry Variant Classification Scheme 2023. Collection method: clinical testing. Allele origin: germline.
Comment: The p.I85T variant (also known as c.254T>C), located in coding exon 4 of the MAX gene, results from a T to C substitution at nucleotide position 254. The isoleucine at codon 85 is replaced by threonine, an amino acid with similar properties. This amino acid position is conserved. In addition, this alteration is predicted to be deleterious by in silico analysis. Since supporting evidence is limited at this time, the clinical significance of this alteration remains unclear.